The following is an entry in ClinVar:

ClinVar aggregate classification (germline): Uncertain significance (1 of 4 stars; one submission).

Conditions:
Short-rib thoracic dysplasia 14 with polydactyly (SRTD14). Identifiers: Orphanet 397715, MedGen C4225286, MONDO:0014688, OMIM 616546.
Joubert syndrome 23 (JBTS23). Identifiers: Orphanet 475, MedGen C4084822, MONDO:0014664, OMIM 616490.

Submission:

Labcorp Genetics (formerly Invitae), Labcorp
Classification: Uncertain significance for Joubert syndrome 23; Short-rib thoracic dysplasia 14 with polydactyly. Last evaluated: 2024-01-08. Review status: criteria provided, single submitter. Criteria: Invitae Variant Classification Sherloc (09022015). Collection method: clinical testing. Allele origin: germline.
Comment: This sequence change replaces threonine, which is neutral and polar, with arginine, which is basic and polar, at codon 1590 of the KIAA0586 protein (p.Thr1590Arg). This variant is not present in population databases (gnomAD no frequency). This variant has not been reported in the literature in individuals affected with KIAA0586-related conditions. An algorithm developed to predict the effect of missense changes on protein structure and function (PolyPhen-2) suggests that this variant is likely to be disruptive. In summary, the available evidence is currently insufficient to determine the role of this variant in disease. Therefore, it has been classified as a Variant of Uncertain Significance.

NM_001329943.3(KIAA0586):c.4525C>G (p.Gln1509Glu)

Gene: KIAA0586 (KIAA0586; plus strand). Cytogenetic location: 14q23.1.
Variant type: single nucleotide variant.
Coding change: c.4525C>G on transcript NM_001329943.3 (MANE Select); coding-DNA position 4525, C replaced by G.
Protein change: p.Gln1509Glu; replaces glutamine 1509 with glutamic acid.
Molecular consequence: missense variant.
Genome position (GRCh38, 1-based): chr14:58,547,810, C>G. VCF-style: chr14-58547810-C-G. GRCh37 (hg19) VCF-style: chr14-59014528-C-G.
Other names: c.4769C>G, p.Thr1590Arg (NM_001244189.2); c.4480C>G, p.Gln1494Glu (NM_001244190.2); c.4270C>G, p.Gln1424Glu (NM_001244191.2, NM_001364701.2); c.4393C>G, p.Gln1465Glu (NM_001244192.2, NM_001329947.2); c.4610C>G, p.Thr1537Arg (NM_001329944.2); c.4204C>G, p.Gln1402Glu (NM_001329945.2); c.4459C>G, p.Gln1487Glu (NM_001329946.2); c.4297C>G, p.Gln1433Glu (NM_014749.5); short protein forms Q1402E, Q1424E, T1537R, T1590R, Q1433E, Q1494E, Q1487E, Q1465E.
Identifiers: ClinVar variation 2922033 (VCV002922033.3), dbSNP rs1203731997, ClinGen allele CA390059298.